The following is an entry in ClinVar:

ClinVar aggregate classification (germline): Likely benign (1 of 4 stars; one submission).

Allele frequency attached by ClinVar (database versions not stated): ESP Exome Variant Server 0.00031; TOPMed 0.00031; gnomAD 0.00042.
gnomAD v4.1: 424 of 1,598,858 alleles (0.027%); highest among the groups gnomAD compares: Non-Finnish European, 0.033%; 1 homozygote.

Submission:

CeGaT Center for Human Genetics Tuebingen
Classification: Likely benign. Last evaluated: 2023-02-01. Review status: criteria provided, single submitter. Criteria: CeGaT Center For Human Genetics Tuebingen Variant Classification Criteria Version 2. Collection method: clinical testing. Allele origin: germline. Affected: yes. Observed: 1 variant allele.
Comment: MARK1: BP4, BP7

NM_018650.5(MARK1):c.1140G>A (p.Ser380=)

Gene: MARK1 (microtubule affinity regulating kinase 1; plus strand). Cytogenetic location: 1q41.
Variant type: single nucleotide variant.
Coding change: c.1140G>A on transcript NM_018650.5 (MANE Select); coding-DNA position 1140, G replaced by A.
Protein change: p.Ser380=; no amino-acid change (serine 380 retained).
Molecular consequence: synonymous variant.
Genome position (GRCh38, 1-based): chr1:220,635,393, G>A. VCF-style: chr1-220635393-G-A. GRCh37 (hg19) VCF-style: chr1-220808735-G-A.
Other names: c.1140G>A, p.Ser380= (NM_001286126.2, NM_001286124.2); c.1074G>A, p.Ser358= (NM_001286128.2).
Identifiers: ClinVar variation 2639912 (VCV002639912.24), dbSNP rs148023363, ClinGen allele CA1403560.